The following is an entry in ClinVar:

NM_032119.4(ADGRV1):c.6979T>C (p.Ser2327Pro)

Gene: ADGRV1 (adhesion G protein-coupled receptor V1; plus strand). Cytogenetic location: 5q14.3.
Variant type: single nucleotide variant.
Coding change: c.6979T>C on transcript NM_032119.4 (MANE Select); coding-DNA position 6979, T replaced by C.
Protein change: p.Ser2327Pro; replaces serine 2327 with proline.
Molecular consequence: missense variant. On other transcripts: non-coding transcript variant (1).
Genome position (GRCh38, 1-based): chr5:90,692,632, T>C. VCF-style: chr5-90692632-T-C. GRCh37 (hg19) VCF-style: chr5-89988449-T-C.
Other names: c.6979T>C (NM_032119.3); short protein forms S2327P.
Identifiers: ClinVar variation 1039354 (VCV001039354.10), dbSNP rs1241202157, ClinGen allele CA360370815.
Genomic context (GRCh38, chr5:90,692,632, plus strand): 5'-ATGCTGTTAAGGAAGTTTTCACTGTATTTTTAGGTTATCCAAGTGCAACTAACTGATGCC[T>C]CTGGTGGAGGTACTATTGGGTTAGATCGAATTGCAAATATTATTATTCCTGCCAATGATG-3'
Protein context (NP_115495.3, residues 2317-2337): EVIQVQLTDA[Ser2327Pro]GGGTIGLDRI

ClinVar aggregate classification (germline): Uncertain significance. Review status: criteria provided, multiple submitters, no conflicts (2 of 4 stars). 4 submissions from 4 submitters: Uncertain significance (4). Last evaluated 2026-03-16.

Conditions:
ADGRV1-related disorder. Also called: ADGRV1-related condition; ADGRV1-related disorders.
Inborn genetic diseases. Identifiers: MedGen C0950123, MeSH D030342.

Allele frequency attached by ClinVar (database versions not stated): TOPMed 0.00002; gnomAD 0.00003.
gnomAD v4.1: 14 of 1,610,746 alleles (0.00087%); highest among the groups gnomAD compares: African/African-American, 0.0027%; no homozygotes.

Submissions (4):

PreventionGenetics, part of Exact Sciences
Classification: Uncertain significance for ADGRV1-related condition. Last evaluated: 2026-03-16. Review status: criteria provided, single submitter. Criteria: ACMG Guidelines, 2015. Collection method: clinical testing. Allele origin: germline.
Comment: The ADGRV1 c.6979T>C variant is predicted to result in the amino acid substitution p.Ser2327Pro. To our knowledge, this variant has not been reported in the literature. This variant is reported in 0.00079% of alleles in individuals of European (Non-Finnish) descent in gnomAD. At this time, the clinical significance of this variant is uncertain due to the absence of conclusive functional and genetic evidence.

Ambry Genetics
Classification: Uncertain significance for Inborn genetic diseases. Last evaluated: 2025-11-20. Review status: criteria provided, single submitter. Criteria: Ambry Variant Classification Scheme 2023. Collection method: clinical testing. Allele origin: germline.

Labcorp Genetics (formerly Invitae), Labcorp
Classification: Uncertain significance. Last evaluated: 2025-04-21. Review status: criteria provided, single submitter. Criteria: Invitae Variant Classification Sherloc (09022015). Collection method: clinical testing. Allele origin: germline.
Comment: This sequence change replaces serine, which is neutral and polar, with proline, which is neutral and non-polar, at codon 2327 of the ADGRV1 protein (p.Ser2327Pro). This variant is present in population databases (no rsID available, gnomAD 0.0008%). This variant has not been reported in the literature in individuals affected with ADGRV1-related conditions. ClinVar contains an entry for this variant (Variation ID: 1039354). Invitae Evidence Modeling of protein sequence and biophysical properties (such as structural, functional, and spatial information, amino acid conservation, physicochemical variation, residue mobility, and thermodynamic stability) indicates that this missense variant is not expected to disrupt ADGRV1 protein function with a negative predictive value of 95%. In summary, the available evidence is currently insufficient to determine the role of this variant in disease. Therefore, it has been classified as a Variant of Uncertain Significance.

GeneDx
Classification: Uncertain significance. Last evaluated: 2023-07-03. Review status: criteria provided, single submitter. Criteria: GeneDx Variant Classification Process June 2021. Collection method: clinical testing. Allele origin: germline. Affected: yes.
Comment: Not observed at significant frequency in large population cohorts (gnomAD); In silico analysis supports that this missense variant has a deleterious effect on protein structure/function; Has not been previously published as pathogenic or benign to our knowledge